The following is an entry in ClinVar:

ClinVar aggregate classification (germline): Uncertain significance (1 of 4 stars; one submission).

Conditions:
Inborn genetic diseases. Identifiers: MedGen C0950123, MeSH D030342.

Submission:

Ambry Genetics
Classification: Uncertain significance for Inborn genetic diseases. Last evaluated: 2025-03-27. Review status: criteria provided, single submitter. Criteria: Ambry Variant Classification Scheme 2023. Collection method: clinical testing. Allele origin: germline.
Comment: The p.V1196L variant (also known as c.3586G>T), located in coding exon 21 of the RECQL4 gene, results from a G to T substitution at nucleotide position 3586. The valine at codon 1196 is replaced by leucine, an amino acid with highly similar properties. This amino acid position is conserved. Based on the available evidence, the clinical significance of this variant remains unclear.

NM_004260.4(RECQL4):c.3586G>T (p.Val1196Leu)

Gene: RECQL4 (RecQ like helicase 4; minus strand). Cytogenetic location: 8q24.3.
Variant type: single nucleotide variant.
Coding change: c.3586G>T on transcript NM_004260.4 (MANE Select); coding-DNA position 3586, G replaced by T.
Protein change: p.Val1196Leu; replaces valine 1196 with leucine.
Molecular consequence: missense variant. On other transcripts: non-coding transcript variant (3).
Genome position (GRCh38, 1-based): chr8:144,511,472, C>A on the plus strand (G>T on the coding strand, the complement: RECQL4 is on the minus strand). VCF-style: chr8-144511472-C-A. GRCh37 (hg19) VCF-style: chr8-145736855-C-A.
Other names: c.3292G>T, p.Val1098Leu (NM_001413017.1); c.3388G>T, p.Val1130Leu (NM_001413018.1); c.3661G>T, p.Val1221Leu (NM_001413019.1); c.3490G>T, p.Val1164Leu (NM_001413020.1); c.2515G>T, p.Val839Leu (NM_001413021.1, NM_001413022.1, NM_001413024.1 and 4 more transcripts); c.2590G>T, p.Val864Leu (NM_001413023.1); c.3457G>T, p.Val1153Leu (NM_001413025.1); c.2449G>T, p.Val817Leu (NM_001413027.1, NM_001413030.1, NM_001413032.1); and 9 more; short protein forms V1079L, V1164L, V795L, V839L, V1130L, V1199L, V773L, V1152L.
Identifiers: ClinVar variation 3944252 (VCV003944252.1).